The following is an entry in ClinVar:

ClinVar aggregate classification (germline): Uncertain significance (1 of 4 stars; one submission).

Conditions:
Werner syndrome (WRN). Identifiers: Orphanet 902, MedGen C0043119, MONDO:0010196, OMIM 277700.

Submission:

Labcorp Genetics (formerly Invitae), Labcorp
Classification: Uncertain significance for Werner syndrome. Last evaluated: 2025-04-30. Review status: criteria provided, single submitter. Criteria: Invitae Variant Classification Sherloc (09022015). Collection method: clinical testing. Allele origin: germline.
Comment: This sequence change replaces glycine, which is neutral and non-polar, with serine, which is neutral and polar, at codon 592 of the WRN protein (p.Gly592Ser). This variant is not present in population databases (gnomAD no frequency). This variant has not been reported in the literature in individuals affected with WRN-related conditions. ClinVar contains an entry for this variant (Variation ID: 939945). An algorithm developed to predict the effect of missense changes on protein structure and function outputs the following: PolyPhen-2: "Possibly Damaging". The serine amino acid residue is found in multiple mammalian species, which suggests that this missense change does not adversely affect protein function. In summary, the available evidence is currently insufficient to determine the role of this variant in disease. Therefore, it has been classified as a Variant of Uncertain Significance.

NM_000553.6(WRN):c.1774G>A (p.Gly592Ser)

Gene: WRN (WRN RecQ like helicase; plus strand). Cytogenetic location: 8p12.
Variant type: single nucleotide variant.
Coding change: c.1774G>A on transcript NM_000553.6 (MANE Select); coding-DNA position 1774, G replaced by A.
Protein change: p.Gly592Ser; replaces glycine 592 with serine.
Molecular consequence: missense variant.
Genome position (GRCh38, 1-based): chr8:31,090,887, G>A. VCF-style: chr8-31090887-G-A. GRCh37 (hg19) VCF-style: chr8-30948403-G-A.
Other names: short protein forms G592S.
Identifiers: ClinVar variation 939945 (VCV000939945.6), dbSNP rs1813722215, ClinGen allele CA370927814.
Genomic context (GRCh38, chr8:31,090,887, plus strand): 5'-TTTCAAGGATATGGAAAGAGTTTGTGCTTCCAGTATCCACCTGTTTATGTAGGCAAGATT[G>A]GCCTTGTTATCTCTCCCCTTATTTCTCTGATGGAAGACCAAGTGCTACAGCTTAAGTAAG-3'
Protein context (NP_000544.2, residues 582-602): QYPPVYVGKI[Gly592Ser]LVISPLISLM